The following is an entry in ClinVar:

NM_020686.6(ABAT):c.1004C>T (p.Thr335Met)

Gene: ABAT (4-aminobutyrate aminotransferase; plus strand). Cytogenetic location: 16p13.2.
Variant type: single nucleotide variant.
Coding change: c.1004C>T on transcript NM_020686.6 (MANE Select); coding-DNA position 1004, C replaced by T.
Protein change: p.Thr335Met; replaces threonine 335 with methionine.
Molecular consequence: missense variant.
Genome position (GRCh38, 1-based): chr16:8,774,939, C>T. VCF-style: chr16-8774939-C-T. GRCh37 (hg19) VCF-style: chr16-8868796-C-T.
Other names: c.1004C>T, p.Thr335Met (NM_000663.5, NM_001127448.2, NM_001386600.1 and 6 more transcripts); c.965C>T, p.Thr322Met (NM_001386605.1); c.941C>T, p.Thr314Met (NM_001386606.1, NM_001386607.1); c.1004C>T (NM_000663.4); c.911C>T, p.Thr304Met (NM_001386608.1); c.869C>T, p.Thr290Met (NM_001386610.1, NM_001386611.1); c.806C>T, p.Thr269Met (NM_001386612.1, NM_001386613.1); c.758C>T, p.Thr253Met (NM_001386614.1); and 1 more; short protein forms T304M, T314M, T335M, T322M, T367M, T290M, T253M, T269M.
Identifiers: ClinVar variation 1509224 (VCV001509224.9), dbSNP rs2060222738, ClinGen allele CA394689843.
Genomic context (GRCh38, chr16:8,774,939, plus strand): 5'-TCTCCGGCCAGCATGGCTGCGCCTTCTTGGTGGACGAGGTCCAGACCGGAGGAGGCTGCA[C>T]GGGCAAGTTCTGGGCCCATGAGCACTGGGGCCTGGATGACCCAGCAGACGTGATGACCTT-3'
Protein context (NP_065737.2, residues 325-345): VDEVQTGGGC[Thr335Met]GKFWAHEHWG

ClinVar aggregate classification (germline): Conflicting classifications of pathogenicity. Review status: criteria provided, conflicting classifications (1 of 4 stars). 2 submissions from 2 submitters: Likely pathogenic (1); Uncertain significance (1). Last evaluated 2024-03-29.

Conditions:
Gamma-aminobutyric acid transaminase deficiency (GABATD). Also called: GABA aminotransaminase deficiency; GABA transaminase deficiency; Gamma aminobutyrate transaminase deficiency; 4 alpha aminobutyrate transaminase deficiency. Identifiers: Orphanet 2066, MedGen C0342708, MONDO:0013166, OMIM 613163.

Allele frequency attached by ClinVar (database versions not stated): TOPMed below 0.00001.
gnomAD v4.1: 6 of 1,614,154 alleles (0.00037%); highest among the groups gnomAD compares: East Asian, 0.0045%; no homozygotes.

Submissions (2):

Genomic Medicine Center of Excellence, King Faisal Specialist Hospital and Research Centre
Classification: Likely pathogenic for Gamma-aminobutyric acid transaminase deficiency. Last evaluated: 2024-03-29. Review status: criteria provided, single submitter. Criteria: ACMG Guidelines, 2015. Collection method: clinical testing. Allele origin: germline.

Labcorp Genetics (formerly Invitae), Labcorp
Classification: Uncertain significance for Gamma-aminobutyric acid transaminase deficiency. Last evaluated: 2022-11-15. Review status: criteria provided, single submitter. Criteria: Invitae Variant Classification Sherloc (09022015). Collection method: clinical testing. Allele origin: germline.
Comment: Advanced modeling of protein sequence and biophysical properties (such as structural, functional, and spatial information, amino acid conservation, physicochemical variation, residue mobility, and thermodynamic stability) performed at Invitae indicates that this missense variant is expected to disrupt ABAT protein function. In summary, the available evidence is currently insufficient to determine the role of this variant in disease. Therefore, it has been classified as a Variant of Uncertain Significance. ClinVar contains an entry for this variant (Variation ID: 1509224). This missense change has been observed in individual(s) with microcephaly, failure to thrive, motor delay and brain atrophy (PMID: 31130284). This variant is not present in population databases (gnomAD no frequency). This sequence change replaces threonine, which is neutral and polar, with methionine, which is neutral and non-polar, at codon 335 of the ABAT protein (p.Thr335Met).

Literature cited by the submitters: PubMed 31130284 (cited by Labcorp Genetics (formerly Invitae), Labcorp).